The following is an entry in ClinVar:

NM_001330700.2(TOP2B):c.3901C>A (p.Pro1301Thr)

Gene: TOP2B (DNA topoisomerase II beta; minus strand). Cytogenetic location: 3p24.2.
Variant type: single nucleotide variant.
Coding change: c.3901C>A on transcript NM_001330700.2 (MANE Select); coding-DNA position 3901, C replaced by A.
Protein change: p.Pro1301Thr; replaces proline 1301 with threonine.
Molecular consequence: missense variant.
Genome position (GRCh38, 1-based): chr3:25,609,598, G>T on the plus strand (C>A on the coding strand, the complement: TOP2B is on the minus strand). VCF-style: chr3-25609598-G-T. GRCh37 (hg19) VCF-style: chr3-25651089-G-T.
Other names: c.3886C>A, p.Pro1296Thr (NM_001068.3); short protein forms P1301T, P1296T.
Identifiers: ClinVar variation 3719332 (VCV003719332.2).

ClinVar aggregate classification (germline): Uncertain significance (1 of 4 stars; one submission).

gnomAD v4.1: 9 of 1,603,526 alleles (0.00056%); highest among the groups gnomAD compares: Non-Finnish European, 0.00077%; no homozygotes.

Submission:

Labcorp Genetics (formerly Invitae), Labcorp
Classification: Uncertain significance. Last evaluated: 2024-04-09. Review status: criteria provided, single submitter. Criteria: Invitae Variant Classification Sherloc (09022015). Collection method: clinical testing. Allele origin: germline.
Comment: This sequence change replaces proline, which is neutral and non-polar, with threonine, which is neutral and polar, at codon 1296 of the TOP2B protein (p.Pro1296Thr). The frequency data for this variant in the population databases is considered unreliable, as metrics indicate poor data quality at this position in the gnomAD database. This variant has not been reported in the literature in individuals affected with TOP2B-related conditions. An algorithm developed to predict the effect of missense changes on protein structure and function (PolyPhen-2) suggests that this variant is likely to be tolerated. Algorithms developed to predict the effect of sequence changes on RNA splicing suggest that this variant may disrupt the consensus splice site. In summary, the available evidence is currently insufficient to determine the role of this variant in disease. Therefore, it has been classified as a Variant of Uncertain Significance.